The following is an entry in ClinVar:

ClinVar aggregate classification (germline): Uncertain significance (1 of 4 stars; one submission).

gnomAD v4.1: 1 of 1,612,784 alleles (0.000062%); highest among the groups gnomAD compares: Non-Finnish European, 0.000085%; no homozygotes.

Submission:

GeneDx
Classification: Uncertain significance. Last evaluated: 2025-07-03. Review status: criteria provided, single submitter. Criteria: GeneDx Variant Classification Process June 2021. Collection method: clinical testing. Allele origin: germline. Affected: yes.
Comment: Not observed at significant frequency in large population cohorts (gnomAD); In silico analysis supports that this missense variant has a deleterious effect on protein structure/function; Has not been previously published as pathogenic or benign to our knowledge

NM_138694.4(PKHD1):c.8275C>G (p.Pro2759Ala)

Gene: PKHD1 (PKHD1 ciliary IPT domain containing fibrocystin/polyductin; minus strand). Cytogenetic location: 6p12.2.
Variant type: single nucleotide variant.
Coding change: c.8275C>G on transcript NM_138694.4 (MANE Select); coding-DNA position 8275, C replaced by G.
Protein change: p.Pro2759Ala; replaces proline 2759 with alanine.
Molecular consequence: missense variant.
Genome position (GRCh38, 1-based): chr6:51,830,888, G>C on the plus strand (C>G on the coding strand, the complement: PKHD1 is on the minus strand). VCF-style: chr6-51830888-G-C. GRCh37 (hg19) VCF-style: chr6-51695686-G-C.
Other names: c.8275C>G, p.Pro2759Ala (NM_170724.3); short protein forms P2759A.
Identifiers: ClinVar variation 4680922 (VCV004680922.1).